The following is an entry in ClinVar:

ClinVar aggregate classification (germline): Conflicting classifications of pathogenicity. Review status: criteria provided, conflicting classifications (1 of 4 stars). 2 submissions from 2 submitters: Uncertain significance (1); Likely benign (1). Last evaluated 2024-10-09.

Conditions:
Cardiovascular phenotype. Identifiers: MedGen CN230736.

Allele frequency attached by ClinVar (database versions not stated): TOPMed below 0.00001; gnomAD 0.00001; gnomAD exomes 0.00001.
gnomAD v4.1: 13 of 1,613,824 alleles (0.00081%); highest among the groups gnomAD compares: South Asian, 0.0066%; no homozygotes.

Submissions (2):

Ambry Genetics
Classification: Likely benign for Cardiovascular phenotype. Last evaluated: 2024-10-09. Review status: criteria provided, single submitter. Criteria: Ambry Variant Classification Scheme 2023. Collection method: clinical testing. Allele origin: germline.

GeneDx
Classification: Uncertain significance. Last evaluated: 2022-06-30. Review status: criteria provided, single submitter. Criteria: GeneDx Variant Classification Process June 2021. Collection method: clinical testing. Allele origin: germline. Affected: yes.
Comment: Not observed at significant frequency in large population cohorts (gnomAD); In silico analysis supports that this missense variant has a deleterious effect on protein structure/function; Has not been previously published as pathogenic or benign to our knowledge

NM_001105206.3(LAMA4):c.1384C>T (p.Arg462Trp)

Gene: LAMA4 (laminin subunit alpha 4; minus strand). Cytogenetic location: 6q21.
Variant type: single nucleotide variant.
Coding change: c.1384C>T on transcript NM_001105206.3 (MANE Select); coding-DNA position 1384, C replaced by T.
Protein change: p.Arg462Trp; replaces arginine 462 with tryptophan.
Molecular consequence: missense variant.
Genome position (GRCh38, 1-based): chr6:112,172,778, G>A on the plus strand (C>T on the coding strand, the complement: LAMA4 is on the minus strand). VCF-style: chr6-112172778-G-A. GRCh37 (hg19) VCF-style: chr6-112493980-G-A.
Other names: c.1363C>T, p.Arg455Trp (NM_001105207.3, NM_002290.5); short protein forms R455W, R462W.
Identifiers: ClinVar variation 1809994 (VCV001809994.2), dbSNP rs1781797650, ClinGen allele CA365370996.